The following is an entry in ClinVar:

ClinVar aggregate classification (germline): Likely benign (1 of 4 stars; one submission).

gnomAD v4.1: 4 of 1,613,962 alleles (0.00025%); highest among the groups gnomAD compares: Non-Finnish European, 0.00034%; no homozygotes.

Submission:

CeGaT Center for Human Genetics Tuebingen
Classification: Likely benign. Last evaluated: 2026-04-01. Review status: criteria provided, single submitter. Criteria: CeGaT Center For Human Genetics Tuebingen Variant Classification Criteria Version 2. Collection method: clinical testing. Allele origin: germline. Affected: yes. Observed: 1 variant allele.
Comment: CDON: BP4

NM_001378964.1(CDON):c.1568A>T (p.Asn523Ile)

Gene: CDON (cell adhesion associated, oncogene regulated; minus strand). Cytogenetic location: 11q24.2.
Variant type: single nucleotide variant.
Coding change: c.1568A>T on transcript NM_001378964.1 (MANE Select); coding-DNA position 1568, A replaced by T.
Protein change: p.Asn523Ile; replaces asparagine 523 with isoleucine.
Molecular consequence: missense variant.
Genome position (GRCh38, 1-based): chr11:126,006,042, T>A on the plus strand (A>T on the coding strand, the complement: CDON is on the minus strand). VCF-style: chr11-126006042-T-A. GRCh37 (hg19) VCF-style: chr11-125875937-T-A.
Other names: c.1568A>T, p.Asn523Ile (NM_001243597.3, NM_001441161.1, NM_001441162.1 and 5 more transcripts); short protein forms N523I.
Identifiers: ClinVar variation 4873881 (VCV004873881.2).